The following is an entry in ClinVar:

ClinVar aggregate classification (germline): Conflicting classifications of pathogenicity. Review status: criteria provided, conflicting classifications (1 of 4 stars). 8 submissions from 8 submitters: Pathogenic (1); Likely pathogenic (1); Uncertain significance (6). Last evaluated 2024-10-25.

Conditions:
Xeroderma pigmentosum, group D (XPD). Also called: XERODERMA PIGMENTOSUM IV; XP, GROUP D; XP, GROUP H; XERODERMA PIGMENTOSUM, COMPLEMENTATION GROUP D; ERCC2-Related Xeroderma Pigmentosum. Identifiers: MedGen C0268138, MONDO:0010212, OMIM 278730.
ERCC2-related disorder. Also called: ERCC2-related conditions; ERCC2-related condition; ERCC2-related disorders. Identifiers: MedGen CN239291.
Cerebrooculofacioskeletal syndrome 2 (COFS2). Identifiers: MedGen C1853102, MONDO:0012553, OMIM 610756.
Trichothiodystrophy 1, photosensitive (TTD1). Also called: TAY SYNDROME; TRICHOTHIODYSTROPHY WITH CONGENITAL ICHTHYOSIS; PIBIDS SYNDROME. Identifiers: Orphanet 33364, MedGen C1866504, MONDO:0011125, OMIM 601675.

Allele frequency attached by ClinVar (database versions not stated): TOPMed 0.00003; gnomAD 0.00004 and 0.00003; ExAC 0.00003.
gnomAD v4.1: 87 of 1,613,314 alleles (0.0054%); highest among the groups gnomAD compares: Middle Eastern, 0.017%; no homozygotes.

Submissions (8):

Blueprint Genetics
Classification: Likely pathogenic for ERCC2-related disorders. Last evaluated: 2024-10-25. Review status: criteria provided, single submitter. Criteria: ACMG Guidelines, 2015. Collection method: clinical testing. Allele origin: germline. Affected: yes. Observed: 5 variant alleles.

Revvity Omics, Revvity
Classification: Uncertain significance. Last evaluated: 2023-12-01. Review status: criteria provided, single submitter. Criteria: ACMG Guidelines, 2015. Collection method: clinical testing. Allele origin: germline.

Women's Health and Genetics/Laboratory Corporation of America, LabCorp
Classification: Uncertain significance. Last evaluated: 2022-07-27. Review status: criteria provided, single submitter. Criteria: LabCorp Variant Classification Summary - May 2015. Collection method: clinical testing. Allele origin: germline.
Comment: Variant summary: ERCC2 c.1801C>T (p.Arg601Trp) results in a non-conservative amino acid change located in the ATP-dependent helicase, C-terminal domain (IPR006555) of the encoded protein sequence. Five of five in-silico tools predict a damaging effect of the variant on protein function. The variant allele was found at a frequency of 4.4e-05 in 250970 control chromosomes (gnomAD). This frequency is not significantly higher than expected for a pathogenic variant in ERCC2 causing Xeroderma Pigmentosum (4.4e-05 vs 0.00061), allowing no conclusion about variant significance. c.1801C>T has been reported as a VUS in a setting of multigene panel testing in an individual with acute lymphoblastic leukemia (e.g. Zhang_2015) and has been found in a Xeroderma Pigmentosum cell line (e.g. Lehmann_2001) but to our knowledge, has not been reported in the literature in individuals affected with Xeroderma Pigmentosum. Although studies have assessed the impact of changes to the corresponding residue in bacteria and archaea (e.g. Bienstock_2003, Fan_2008), the impact of the variant on human ERCC2 function has yet to be determined. Four submitters have provided clinical-significance assessments for this variant to ClinVar after 2014. The majority classified the variant as VUS (n=3) and one classified it as pathogenic. Based on the evidence outlined above, the variant was classified as uncertain significance.

Labcorp Genetics (formerly Invitae), Labcorp
Classification: Uncertain significance. Last evaluated: 2022-07-21. Review status: criteria provided, single submitter. Criteria: Invitae Variant Classification Sherloc (09022015). Collection method: clinical testing. Allele origin: germline.
Comment: This sequence change replaces arginine, which is basic and polar, with tryptophan, which is neutral and slightly polar, at codon 601 of the ERCC2 protein (p.Arg601Trp). This variant is present in population databases (rs753641926, gnomAD 0.02%). This missense change has been observed in individual(s) with ERCC2-related conditions (PMID: 11156600). This variant is also known as XPD. ClinVar contains an entry for this variant (Variation ID: 893463). Algorithms developed to predict the effect of missense changes on protein structure and function are either unavailable or do not agree on the potential impact of this missense change (SIFT: "Deleterious"; PolyPhen-2: "Probably Damaging"; Align-GVGD: "Class C0"). In summary, the available evidence is currently insufficient to determine the role of this variant in disease. Therefore, it has been classified as a Variant of Uncertain Significance.

Department of Pathology and Laboratory Medicine, Sinai Health System
Classification: Uncertain significance for Xeroderma pigmentosum, group D; Trichothiodystrophy 1, photosensitive; Cerebrooculofacioskeletal syndrome 2. Last evaluated: 2021-07-30. Review status: criteria provided, single submitter. Criteria: ACMG Guidelines, 2015. Collection method: research. Allele origin: germline.

Institute of Medical Genetics and Applied Genomics, University Hospital Tübingen
Classification: Pathogenic. Last evaluated: 2020-10-23. Review status: criteria provided, single submitter. Criteria: ACMG Guidelines, 2015. Collection method: clinical testing. Allele origin: germline. Inheritance: Autosomal recessive inheritance. Affected: yes.

GeneDx
Classification: Uncertain significance. Last evaluated: 2019-08-12. Review status: criteria provided, single submitter. Criteria: GeneDx Variant Classification Process June 2021. Collection method: clinical testing. Allele origin: germline. Affected: yes.
Comment: Identified in a xeroderma pigmentosum complementation group D cell line in published literature (Lehmann et al., 2001); Published functional studies demonstrate no damaging effect (Liu et al., 2008; Rump et al., 2016); In silico analysis, which includes protein predictors and evolutionary conservation, supports a deleterious effect; This variant is associated with the following publications: (PMID: 27504877, 18510925, 11156600)

Illumina Laboratory Services, Illumina
Classification: Uncertain significance for Xeroderma pigmentosum, group D. Last evaluated: 2017-04-27. Review status: criteria provided, single submitter. Criteria: ICSL Variant Classification Criteria 13 December 2019. Collection method: clinical testing. Allele origin: germline.
Comment: This variant was observed as part of a predisposition screen in an ostensibly healthy population. A literature search was performed for the gene, cDNA change, and amino acid change (where applicable). Publications were found based on this search. However, the evidence from the literature, in combination with allele frequency data from public databases where available, was not sufficient to rule this variant in or out of causing disease. Therefore, this variant is classified as a variant of unknown significance.

Literature cited by the submitters: PubMed 26580448 (cited by Women's Health and Genetics/Laboratory Corporation of America, LabCorp); PubMed 18510924 (cited by Women's Health and Genetics/Laboratory Corporation of America, LabCorp and Illumina Laboratory Services, Illumina); PubMed 12458209 (cited by Women's Health and Genetics/Laboratory Corporation of America, LabCorp); PubMed 11156600 (cited by 3 submitters); PubMed 23276657 (cited by Illumina Laboratory Services, Illumina).

NM_000400.4(ERCC2):c.1801C>T (p.Arg601Trp)

Gene: ERCC2 (ERCC excision repair 2, TFIIH core complex helicase subunit; minus strand). Cytogenetic location: 19q13.32.
Variant type: single nucleotide variant.
Coding change: c.1801C>T on transcript NM_000400.4 (MANE Select); coding-DNA position 1801, C replaced by T.
Protein change: p.Arg601Trp; replaces arginine 601 with tryptophan.
Molecular consequence: missense variant.
Genome position (GRCh38, 1-based): chr19:45,353,113, G>A on the plus strand (C>T on the coding strand, the complement: ERCC2 is on the minus strand). VCF-style: chr19-45353113-G-A. GRCh37 (hg19) VCF-style: chr19-45856371-G-A.
Other names: short protein forms R601W.
Identifiers: ClinVar variation 893463 (VCV000893463.17), dbSNP rs753641926, ClinGen allele CA9513075.